The following is an entry in ClinVar:

ClinVar aggregate classification (germline): Uncertain significance. Review status: criteria provided, multiple submitters, no conflicts (2 of 4 stars). 5 submissions from 5 submitters: Uncertain significance (5). Last evaluated 2026-03-06.

Conditions:
Isolated focal cortical dysplasia type II (FCORD2). Also called: CORTICAL DYSPLASIA OF TAYLOR; Focal cortical dysplasia type II. Identifiers: Orphanet 268994, MedGen C1846385, MONDO:0011818, OMIM 607341, HP:0032051.
Tuberous sclerosis syndrome (TSC). Also called: Tuberous Sclerosis Complex; Tuberous sclerosis. Identifiers: Orphanet 805, MedGen C0041341, MONDO:0001734.
Tuberous sclerosis 2 (TSC2). Identifiers: Orphanet 805, MedGen C1860707, MONDO:0013199, OMIM 613254.
Hereditary cancer-predisposing syndrome. Also called: Tumor predisposition; Hereditary Cancer Syndrome; Hereditary neoplastic syndrome; Neoplastic Syndromes, Hereditary. Identifiers: Orphanet 140162, MedGen C0027672, MeSH D009386, MONDO:0015356.

Submissions (5):

Ambry Genetics
Classification: Uncertain significance for Hereditary cancer-predisposing syndrome. Last evaluated: 2026-03-06. Review status: criteria provided, single submitter. Criteria: Ambry Variant Classification Scheme 2023. Collection method: clinical testing. Allele origin: germline.
Comment: The p.G111E variant (also known as c.332G>A), located in coding exon 3 of the TSC2 gene, results from a G to A substitution at nucleotide position 332. The glycine at codon 111 is replaced by glutamic acid, an amino acid with similar properties. This amino acid position is highly conserved in available vertebrate species. In addition, this alteration is predicted to be deleterious by in silico analysis. Based on the available evidence, the clinical significance of this variant remains unclear.

Color Diagnostics, LLC DBA Color Health
Classification: Uncertain significance for Tuberous sclerosis syndrome. Last evaluated: 2025-06-25. Review status: criteria provided, single submitter. Criteria: ACMG Guidelines, 2015. Collection method: clinical testing. Allele origin: germline.
Comment: This missense variant replaces glycine with glutamic acid at codon 111 of the TSC2 protein. Computational prediction suggests that this variant may have deleterious impact on protein structure and function. To our knowledge, functional studies have not been reported for this variant. This variant has not been reported in individuals affected with TSC2-related disorders in the literature. This variant has not been identified in the general population by the Genome Aggregation Database (gnomAD). The available evidence is insufficient to determine the role of this variant in disease conclusively. Therefore, this variant is classified as a Variant of Uncertain Significance.

All of Us Research Program, National Institutes of Health
Classification: Uncertain significance for Tuberous sclerosis syndrome. Last evaluated: 2024-08-06. Review status: criteria provided, single submitter. Criteria: ACMG Guidelines, 2015. Collection method: clinical testing. Allele origin: germline. Inheritance: Autosomal dominant inheritance. Observed: 1 variant allele, 1 heterozygote.
Comment: This study involves interpretation of variants in research participants for the purpose of population health screening. Participant phenotype was not available at the time of variant classification. Additional details can be found in publication PMID: 35346344, PMCID: PMC8962531

Labcorp Genetics (formerly Invitae), Labcorp
Classification: Uncertain significance for Tuberous sclerosis 2. Last evaluated: 2024-06-19. Review status: criteria provided, single submitter. Criteria: Invitae Variant Classification Sherloc (09022015). Collection method: clinical testing. Allele origin: germline.
Comment: This sequence change replaces glycine, which is neutral and non-polar, with glutamic acid, which is acidic and polar, at codon 111 of the TSC2 protein (p.Gly111Glu). This variant is not present in population databases (gnomAD no frequency). This variant has not been reported in the literature in individuals affected with TSC2-related conditions. This variant is also known as G62E. Advanced modeling of protein sequence and biophysical properties (such as structural, functional, and spatial information, amino acid conservation, physicochemical variation, residue mobility, and thermodynamic stability) performed at Invitae indicates that this missense variant is not expected to disrupt TSC2 protein function with a negative predictive value of 95%. Experimental studies have shown that this missense change does not substantially affect TSC2 function (PMID: 18854862). In summary, the available evidence is currently insufficient to determine the role of this variant in disease. Therefore, it has been classified as a Variant of Uncertain Significance.

Baylor Genetics
Classification: Uncertain significance for Isolated focal cortical dysplasia type II. Last evaluated: 2024-03-20. Review status: criteria provided, single submitter. Criteria: ACMG Guidelines, 2015. Collection method: clinical testing. Allele origin: unknown.

Literature cited by the submitters: PubMed 18854862 (cited by Labcorp Genetics (formerly Invitae), Labcorp).

NM_000548.5(TSC2):c.332G>A (p.Gly111Glu)

Gene: TSC2 (TSC complex subunit 2; plus strand). Cytogenetic location: 16p13.3.
Variant type: single nucleotide variant.
Coding change: c.332G>A on transcript NM_000548.5 (MANE Select); coding-DNA position 332, G replaced by A.
Protein change: p.Gly111Glu; replaces glycine 111 with glutamic acid.
Molecular consequence: missense variant. On other transcripts: intron variant (9), non-coding transcript variant (5), 5 prime UTR variant (14).
Genome position (GRCh38, 1-based): chr16:2,053,448, G>A. VCF-style: chr16-2053448-G-A. GRCh37 (hg19) VCF-style: chr16-2103449-G-A.
Other names: c.-1-2748G>A (NM_001318831.2, NM_001406688.1, NM_001406686.1 and 3 more transcripts); c.226-848G>A (NM_001406670.1, NM_001318827.2, NM_001406678.1); c.332G>A, p.Gly111Glu (NM_001077183.3, NM_001114382.3, NM_001363528.2 and 10 more transcripts); c.185G>A, p.Gly62Glu (NM_001318829.2, NM_001406675.1, NM_001406676.1 and 2 more transcripts); c.365G>A, p.Gly122Glu (NM_001318832.2); c.-485G>A (NM_001406680.1, NM_001406683.1, NM_001406687.1); c.-114G>A (NM_001406681.1); c.-1100G>A (NM_001406689.1, NM_001406690.1, NM_001406691.1 and 2 more transcripts); and 4 more; short protein forms G111E, G122E, G62E.
Identifiers: ClinVar variation 3240651 (VCV003240651.6), dbSNP rs1488640964.
Genomic context (GRCh38, chr16:2,053,448, plus strand): 5'-CGGAGCGGCCGCTGGAGGCCCGGCACGCGGTGCTGGCTCTGCTGAAGGCCATCGTGCAGG[G>A]GCAGGTAAGGCCCAGGGCGACGCTGGGATGGGTGACGTCAGGCTGCCCACTGACTGTCCT-3'
Protein context (NP_000539.2, residues 101-121): VLALLKAIVQ[Gly111Glu]QGERLGVLRA